The following is an entry in ClinVar:

ClinVar aggregate classification (germline): Uncertain significance (1 of 4 stars; one submission).

Conditions:
AJAP1-related disorder.

Submission:

3billion
Classification: Uncertain significance for AJAP1-related disorder. Last evaluated: 2026-01-07. Review status: criteria provided, single submitter. Criteria: ACMG Guidelines, 2015. Collection method: clinical testing. Allele origin: germline. Affected: yes.
Comment: The variant is not observed in the gnomAD v4.1.0 dataset. Predicted Consequence/Location: Stop-gained (nonsense) variant Therefore, this variant is classified as VUS according to the recommendation of ACMG/AMP guideline.

NM_018836.4(AJAP1):c.827C>G (p.Ser276Ter)

Gene: AJAP1 (adherens junctions associated protein 1; plus strand). Cytogenetic location: 1p36.32.
Variant type: single nucleotide variant.
Coding change: c.827C>G on transcript NM_018836.4 (MANE Select); coding-DNA position 827, C replaced by G.
Protein change: p.Ser276Ter; replaces serine 276 with a stop codon.
Molecular consequence: nonsense.
Genome position (GRCh38, 1-based): chr1:4,712,697, C>G. VCF-style: chr1-4712697-C-G. GRCh37 (hg19) VCF-style: chr1-4772757-C-G.
Other names: c.827C>G, p.Ser276Ter (NM_001042478.2); short protein forms S276*.
Identifiers: ClinVar variation 4854443 (VCV004854443.1).
Genomic context (GRCh38, chr1:4,712,697, plus strand): 5'-CCACCAGTCCCAGCAACAACGGGGAAGTCACCCAGCCCCCAAGGATTCTGGGGGAGGCCT[C>G]AGGTACAGCCATCTCTCTTCTGGTTTGGGTTTGCTTGGGGTTGAGGGCTGGGAGCGTGAC-3'